The following is an entry in ClinVar:

ClinVar aggregate classification (germline): Uncertain significance. Review status: criteria provided, multiple submitters, no conflicts (2 of 4 stars). 2 submissions from 2 submitters: Uncertain significance (2). Last evaluated 2025-01-07.

gnomAD v4.1: 11 of 1,614,198 alleles (0.00068%); highest among the groups gnomAD compares: African/African-American, 0.0013%; no homozygotes.

Submissions (2):

Women's Health and Genetics/Laboratory Corporation of America, LabCorp
Classification: Uncertain significance. Last evaluated: 2025-01-07. Review status: criteria provided, single submitter. Criteria: LabCorp Variant Classification Summary - May 2015. Collection method: clinical testing. Allele origin: germline.
Comment: Variant summary: SZT2 c.2591C>T (p.Thr864Ile) results in a non-conservative amino acid change in the encoded protein sequence. Two of four in-silico tools predict a benign effect of the variant on protein function. The variant allele was found at a frequency of 4e-06 in 251464 control chromosomes. The available data on variant occurrences in the general population are insufficient to allow any conclusion about variant significance. To our knowledge, no occurrence of c.2591C>T in individuals affected with Early Infantile Epileptic Encephalopathy 18 and no experimental evidence demonstrating its impact on protein function have been reported. ClinVar contains an entry for this variant (Variation ID: 2078104). Based on the evidence outlined above, the variant was classified as uncertain significance.

Labcorp Genetics (formerly Invitae), Labcorp
Classification: Uncertain significance. Last evaluated: 2022-04-16. Review status: criteria provided, single submitter. Criteria: Invitae Variant Classification Sherloc (09022015). Collection method: clinical testing. Allele origin: germline.
Comment: This sequence change replaces threonine, which is neutral and polar, with isoleucine, which is neutral and non-polar, at codon 864 of the SZT2 protein (p.Thr864Ile). This variant is present in population databases (rs765029002, gnomAD 0.0009%). This variant has not been reported in the literature in individuals affected with SZT2-related conditions. Algorithms developed to predict the effect of missense changes on protein structure and function are either unavailable or do not agree on the potential impact of this missense change (SIFT: "Tolerated"; PolyPhen-2: "Probably Damaging"; Align-GVGD: "Class C0"). In summary, the available evidence is currently insufficient to determine the role of this variant in disease. Therefore, it has been classified as a Variant of Uncertain Significance.

NM_001365999.1(SZT2):c.2591C>T (p.Thr864Ile)

Gene: SZT2 (SZT2 subunit of KICSTOR complex; plus strand). Cytogenetic location: 1p34.2.
Variant type: single nucleotide variant.
Coding change: c.2591C>T on transcript NM_001365999.1 (MANE Select); coding-DNA position 2591, C replaced by T.
Protein change: p.Thr864Ile; replaces threonine 864 with isoleucine.
Molecular consequence: missense variant.
Genome position (GRCh38, 1-based): chr1:43,425,153, C>T. VCF-style: chr1-43425153-C-T. GRCh37 (hg19) VCF-style: chr1-43890824-C-T.
Other names: c.2591C>T, p.Thr864Ile (NM_015284.4); short protein forms T864I.
Identifiers: ClinVar variation 2078104 (VCV002078104.6), dbSNP rs765029002, ClinGen allele CA808749.
Genomic context (GRCh38, chr1:43,425,153, plus strand): 5'-ATCTCCCATTTTGCCCACAGAATGAACCACCAGGGCAGGCTGCAGCTGAAGAGAAGCACA[C>T]CTGTGTTGTCCAGTACATCCTCTTCCCCCCACACTCTACCTCCACCAAAGACAGGTGAGA-3'
Protein context (NP_001352928.1, residues 854-874): PGQAAAEEKH[Thr864Ile]CVVQYILFPP